The following is an entry in ClinVar:

ClinVar aggregate classification (germline): Conflicting classifications of pathogenicity. Review status: criteria provided, conflicting classifications (1 of 4 stars). 16 submissions from 12 submitters: Uncertain significance (5); Benign (3); Likely benign (7). 1 of the submissions does not count toward it. Last evaluated 2026-02-01.

Conditions:
TTN-related disorder. Also called: TTN-related condition; TTN-related disease; TTN-related disorders.
Autosomal recessive limb-girdle muscular dystrophy type 2J (LGMDR10). Also called: Limb-girdle muscular dystrophy, type 2J; MUSCULAR DYSTROPHY, LIMB-GIRDLE, AUTOSOMAL RECESSIVE 10. Identifiers: Orphanet 140922, MedGen C1837342, MONDO:0012127, OMIM 608807.
Dilated cardiomyopathy 1G (CMD1G). Identifiers: Orphanet 154, MedGen C1858763, MONDO:0011400, OMIM 604145.
Cardiovascular phenotype. Identifiers: MedGen CN230736.
Cardiomyopathy (CMYO). Also called: Cardiomyopathies. Identifiers: Orphanet 167848, MedGen C0878544, MONDO:0004994, HP:0001638. Inheritance: Various modes of inheritance.
Early-onset myopathy with fatal cardiomyopathy (CMYO5). Also called: Salih Myopathy; CONGENITAL MYOPATHY 5 WITH CARDIOMYOPATHY. Identifiers: Orphanet 289377, MedGen C2673677, MONDO:0012714, OMIM 611705. Disease mechanism: loss of function.
Tibial muscular dystrophy (TMD). Also called: Tibial muscular dystrophy, tardive; UDD MYOPATHY; Udd Distal Myopathy – Tibial Muscular Dystrophy. Identifiers: Orphanet 609, MedGen C1838244, MONDO:0010870, OMIM 600334.
Myopathy, myofibrillar, 9, with early respiratory failure (MFM9). Also called: EDSTROM MYOPATHY; MYOPATHY, PROXIMAL, WITH EARLY RESPIRATORY MUSCLE INVOLVEMENT; Myopathy, distal, with early respiratory failure, autosomal dominant; Hereditary myopathy with early respiratory failure. Identifiers: Orphanet 178464, Orphanet 34521, MedGen C1863599, MONDO:0011362, OMIM 603689.
Hypertrophic cardiomyopathy. Also called: HYPERTROPHIC MYOCARDIOPATHY. Identifiers: Orphanet 217569, MedGen C0007194, MeSH D002312, MONDO:0005045, HP:0001639.

Allele frequency attached by ClinVar (database versions not stated): ESP Exome Variant Server 0.00025; 1000 Genomes Project 0.00040; ExAC 0.00041; gnomAD exomes 0.00042 and 0.00061; 1000 Genomes Project 30x 0.00047; TOPMed 0.00047.
gnomAD v4.1: 975 of 1,610,136 alleles (0.061%); highest among the groups gnomAD compares: East Asian, 0.14%; 6 homozygotes.

Submissions (16):

CeGaT Center for Human Genetics Tuebingen
Classification: Likely benign. Last evaluated: 2026-02-01. Review status: criteria provided, single submitter. Criteria: CeGaT Center For Human Genetics Tuebingen Variant Classification Criteria Version 2. Collection method: clinical testing. Allele origin: germline. Affected: yes. Observed: 7 variant alleles.
Comment: TTN: BP4

Labcorp Genetics (formerly Invitae), Labcorp
Classification: Likely benign for Dilated cardiomyopathy 1G; Autosomal recessive limb-girdle muscular dystrophy type 2J. Last evaluated: 2026-01-31. Review status: criteria provided, single submitter. Criteria: Invitae Variant Classification Sherloc (09022015). Collection method: clinical testing. Allele origin: germline.

Women's Health and Genetics/Laboratory Corporation of America, LabCorp
Classification: Likely benign. Last evaluated: 2025-06-23. Review status: criteria provided, single submitter. Criteria: LabCorp Variant Classification Summary - May 2015. Collection method: clinical testing. Allele origin: germline.
Comment: Variant summary: TTN c.75812G>A (p.Arg25271Gln) results in a conservative amino acid change located in the A-band region of the encoded protein sequence. Algorithms developed to predict the effect of missense changes on protein structure and function are either unavailable or do not agree on the potential impact of this missense change. The variant allele was found at a frequency of 0.00042 in 245148 control chromosomes, predominantly at a frequency of 0.0011 within the East Asian subpopulation in the gnomAD database. The observed variant frequency within East Asian control individuals in the gnomAD database is approximately 1.76 fold of the estimated maximal expected allele frequency for a pathogenic variant in TTN causing Cardiomyopathy phenotype (0.00063), providing supporting evidence for a benign role. c.75812G>A has been observed in individuals affected with Cardiomyopathy (e.g. Haas_2015) and Hirschsprung Disease (e.g. Luzon-Toro_2015) without strong evidence for causality. These reports do not provide unequivocal conclusions about association of the variant with Cardiomyopathy. At least one publication reports experimental evidence finding an impact of the variant on thermal stability (Rees_2023), however, this does not allow convincing conclusions about the variant effect. The following publications have been ascertained in the context of this evaluation (PMID: 25163546, 24440382, 30993396, 26559152, 33692775, 37549721). ClinVar contains an entry for this variant (Variation ID: 196060). Based on the evidence outlined above, the variant was classified as likely benign.

Molecular Diagnostic Laboratory for Inherited Cardiovascular Disease, Montreal Heart Institute
Classification: Likely benign. Last evaluated: 2025-04-09. Review status: criteria provided, single submitter. Criteria: ACMG Guidelines, 2015. Collection method: clinical testing. Allele origin: germline. Affected: no.
Comment: BS1;BP1

Blueprint Genetics
Classification: Likely benign. Last evaluated: 2024-11-18. Review status: criteria provided, single submitter. Criteria: ACMG Guidelines, 2015. Collection method: clinical testing. Allele origin: germline.

GeneDx
Classification: Likely benign. Last evaluated: 2020-09-17. Review status: criteria provided, single submitter. Criteria: GeneDx Variant Classification Process June 2021. Collection method: clinical testing. Allele origin: germline. Affected: yes.
Comment: This variant is associated with the following publications: (PMID: 26559152, 25163546, 24440382, 30993396, 33692775)

CHEO Genetics Diagnostic Laboratory, Children's Hospital of Eastern Ontario
Classification: Benign for Cardiomyopathy. Last evaluated: 2020-05-27. Review status: criteria provided, single submitter. Criteria: ACMG Guidelines, 2015. Collection method: clinical testing. Allele origin: germline.

Center for Advanced Laboratory Medicine, UC San Diego Health, University of California San Diego
Classification: Likely benign for Hypertrophic cardiomyopathy. Last evaluated: 2018-12-24. Review status: criteria provided, single submitter. Criteria: ACMG Guidelines, 2015. Collection method: clinical testing. Allele origin: germline. Affected: yes. Observed: 2 variant alleles.

Illumina Laboratory Services, Illumina
Classification: Uncertain significance for Early-onset myopathy with fatal cardiomyopathy. Last evaluated: 2018-01-13. Review status: criteria provided, single submitter. Criteria: ICSL Variant Classification Criteria 13 December 2019. Collection method: clinical testing. Allele origin: germline.

Illumina Laboratory Services, Illumina
Classification: Uncertain significance for Autosomal recessive limb-girdle muscular dystrophy type 2J. Last evaluated: 2018-01-13. Review status: criteria provided, single submitter. Criteria: ICSL Variant Classification Criteria 13 December 2019. Collection method: clinical testing. Allele origin: germline.

Illumina Laboratory Services, Illumina
Classification: Uncertain significance for Dilated cardiomyopathy 1G. Last evaluated: 2018-01-13. Review status: criteria provided, single submitter. Criteria: ICSL Variant Classification Criteria 13 December 2019. Collection method: clinical testing. Allele origin: germline.

Illumina Laboratory Services, Illumina
Classification: Benign for Myopathy, myofibrillar, 9, with early respiratory failure. Last evaluated: 2018-01-13. Review status: criteria provided, single submitter. Criteria: ICSL Variant Classification Criteria 13 December 2019. Collection method: clinical testing. Allele origin: germline.
Comment: This variant was observed in the ICSL laboratory as part of a predisposition screen in an ostensibly healthy population. It had not been previously curated by ICSL or reported in the Human Gene Mutation Database (HGMD: prior to June 1st, 2018), and was therefore a candidate for classification through an automated scoring system. Utilizing variant allele frequency, disease prevalence and penetrance estimates, and inheritance mode, an automated score was calculated to assess if this variant is too frequent to cause the disease. Based on the score and internal cut-off values, a variant classified as benign is not then subjected to further curation. The score for this variant resulted in a classification of benign for this disease.

Illumina Laboratory Services, Illumina
Classification: Benign for Tibial muscular dystrophy. Last evaluated: 2018-01-13. Review status: criteria provided, single submitter. Criteria: ICSL Variant Classification Criteria 13 December 2019. Collection method: clinical testing. Allele origin: germline.
Comment: the same text as in the submission from Illumina Laboratory Services, Illumina above.

Eurofins Ntd Llc (ga)
Classification: Uncertain significance. Last evaluated: 2015-07-15. Review status: criteria provided, single submitter. Criteria: EGL Classification Definitions 2015. Collection method: clinical testing. Allele origin: germline. Observed: 6 variant alleles, 6 heterozygotes.

Ambry Genetics
Classification: Uncertain significance for Cardiovascular phenotype. Last evaluated: 2013-01-29. Review status: criteria provided, single submitter. Criteria: Ambry Autosomal Dominant and X-Linked criteria (10/2015). Collection method: clinical testing. Allele origin: germline. Observed: 1 variant allele.
Comment: There is insufficient or conflicting evidence for classification of this alteration.

PreventionGenetics, part of Exact Sciences
Classification: Likely benign for TTN-related condition. Last evaluated: 2024-03-06. Review status: no assertion criteria provided. Collection method: clinical testing. Allele origin: germline. Not counted in ClinVar's aggregate classification.
Comment: This variant is classified as likely benign based on ACMG/AMP sequence variant interpretation guidelines (Richards et al. 2015 PMID: 25741868, with internal and published modifications).

Literature cited by the submitters: PubMed 25163546 (cited by Women's Health and Genetics/Laboratory Corporation of America, LabCorp); PubMed 24440382 (cited by Women's Health and Genetics/Laboratory Corporation of America, LabCorp); PubMed 30993396 (cited by Women's Health and Genetics/Laboratory Corporation of America, LabCorp); PubMed 26559152 (cited by Women's Health and Genetics/Laboratory Corporation of America, LabCorp); PubMed 33692775 (cited by Women's Health and Genetics/Laboratory Corporation of America, LabCorp); PubMed 37549721 (cited by Women's Health and Genetics/Laboratory Corporation of America, LabCorp).

NM_001267550.2(TTN):c.83516G>A (p.Arg27839Gln)

Genes: TTN (titin; minus strand), TTN-AS1 (TTN antisense RNA 1; plus strand). Cytogenetic location: 2q31.2.
Variant type: single nucleotide variant.
Coding change: c.83516G>A on transcript NM_001267550.2 (MANE Select); coding-DNA position 83516, G replaced by A.
Protein change: p.Arg27839Gln; replaces arginine 27839 with glutamine.
Molecular consequence: missense variant.
Genome position (GRCh38, 1-based): chr2:178,562,616, C>T on the plus strand (G>A on the coding strand, the complement: TTN is on the minus strand). VCF-style: chr2-178562616-C-T. GRCh37 (hg19) VCF-style: chr2-179427343-C-T.
Other names: p.R26198Q:CGA>CAA; c.78593G>A, p.Arg26198Gln (NM_001256850.1); c.56321G>A, p.Arg18774Gln (NM_003319.4); c.75812G>A, p.Arg25271Gln (NM_133378.4); c.56696G>A, p.Arg18899Gln (NM_133432.3); c.56897G>A, p.Arg18966Gln (NM_133437.4); short protein forms R27839Q, R26198Q, R25271Q, R18774Q, R18899Q, R18966Q.
Identifiers: ClinVar variation 196060 (VCV000196060.57), dbSNP rs376820301, ClinGen allele CA302878.